The following is an entry in ClinVar:

ClinVar aggregate classification (germline): Uncertain significance (1 of 4 stars; one submission).

Submission:

Dasa
Classification: Uncertain significance. Last evaluated: 2024-06-30. Review status: criteria provided, single submitter. Criteria: DASA Assertion Criteria. Collection method: clinical testing. Allele origin: germline.
Comment: NM_001197104.2(KMT2A):c.3144G>T (p.Gln1048His) is a missense variant that results in the substitution of glutamine with histidine. This variant is rare in population databases. Computational prediction algorithms are consistent with a benign effect. The currently available literature and clinical evidence are not sufficient to establish a definitive association between this variant and the reported condition. Therefore, this variant is classified as a variant of uncertain significance.

NM_001197104.2(KMT2A):c.3144G>T (p.Gln1048His)

Gene: KMT2A (lysine methyltransferase 2A; plus strand). Cytogenetic location: 11q23.3.
Variant type: single nucleotide variant.
Coding change: c.3144G>T on transcript NM_001197104.2 (MANE Select); coding-DNA position 3144, G replaced by T.
Protein change: p.Gln1048His; replaces glutamine 1048 with histidine.
Molecular consequence: missense variant.
Genome position (GRCh38, 1-based): chr11:118,474,303, G>T. VCF-style: chr11-118474303-G-T. GRCh37 (hg19) VCF-style: chr11-118345018-G-T.
Other names: c.3243G>T, p.Gln1081His (NM_001412597.1); c.3144G>T, p.Gln1048His (NM_005933.4); short protein forms Q1048H, Q1081H.
Identifiers: ClinVar variation 4852695 (VCV004852695.2).